The following is an entry in ClinVar:

NM_001374504.1(TMPRSS6):c.1842-31CCCCA[8]

Gene: TMPRSS6 (transmembrane serine protease 6; minus strand). Cytogenetic location: 22q12.3.
Variant type: Microsatellite.
Coding change: c.1842-31CCCCA[8] on transcript NM_001374504.1 (MANE Select); eight copies in a row of the 5-base unit CCCCA starting at c.1842-31; the reference has six copies in a row; two copies, 10 bases duplicated.
Molecular consequence: splice acceptor variant.
Genome position (GRCh38, 1-based): chr22:37,069,346-37,069,355, TGGGGTGGGG duplicated on the plus strand (CCCCACCCCA on the coding strand, the reverse complement: TMPRSS6 is on the minus strand); duplicating any 10 consecutive bases within chr22:37,069,346-37,069,377 gives the same sequence; the position shown is the placement nearest the transcript's 3' end. VCF-style (leftmost placement, unchanged base first): chr22-37069345-C-CTGGGGTGGGG. GRCh37 (hg19) VCF-style: chr22-37465385-C-CTGGGGTGGGG.
Other names: c.1869-11_1869-2dup (NM_153609.3); c.1842-31CCCCA[8] (NM_001289000.2, NM_001289001.2, NM_153609.4); c.1869-11_1869-2dup10 (NM_153609.3).
Identifiers: ClinVar variation 786381 (VCV000786381.11), dbSNP rs60484081, ClinGen allele CA324045355.
Genomic context (GRCh38, chr22:37,069,345, plus strand): 5'-CAGCGCGAGTTCTGCCACACCTTGCCCAGGAACACGGTCCACAGCACCGTGGAGGCCATG[C>CTGGGGTGGGG]TGGGGTGGGGTGGGGTGGGGTGGGGTGGGGTGAGGTGAGGTGGGAGGAAGCTGCCTCTCC-3'

ClinVar aggregate classification (germline): Benign/Likely benign. Review status: criteria provided, multiple submitters, no conflicts (2 of 4 stars). 3 submissions from 3 submitters: Benign (1); Likely benign (1). 1 of the submissions does not count toward it. Last evaluated 2026-01-19.

Conditions:
TMPRSS6-related disorder. Also called: TMPRSS6-related condition.

Submissions (3):

Labcorp Genetics (formerly Invitae), Labcorp
Classification: Likely benign. Last evaluated: 2026-01-19. Review status: criteria provided, single submitter. Criteria: Invitae Variant Classification Sherloc (09022015). Collection method: clinical testing. Allele origin: germline.

Mayo Clinic Laboratories, Mayo Clinic
Classification: Benign. Last evaluated: 2023-05-19. Review status: criteria provided, single submitter. Criteria: ACMG Guidelines, 2015. Collection method: clinical testing. Allele origin: germline. Observed: 11 variant alleles.
Comment: BS1, BS2, BP4

PreventionGenetics, part of Exact Sciences
Classification: Benign for TMPRSS6-related condition. Last evaluated: 2021-01-19. Review status: no assertion criteria provided. Collection method: clinical testing. Allele origin: germline. Not counted in ClinVar's aggregate classification.
Comment: This variant is classified as benign based on ACMG/AMP sequence variant interpretation guidelines (Richards et al. 2015 PMID: 25741868, with internal and published modifications).